The following is an entry in ClinVar:

NM_012472.6(DNAAF11):c.988T>A (p.Ser330Thr)

Gene: DNAAF11 (dynein axonemal assembly factor 11; minus strand). Cytogenetic location: 8q24.22.
Variant type: single nucleotide variant.
Coding change: c.988T>A on transcript NM_012472.6 (MANE Select); coding-DNA position 988, T replaced by A.
Protein change: p.Ser330Thr; replaces serine 330 with threonine.
Molecular consequence: missense variant. On other transcripts: non-coding transcript variant (10).
Genome position (GRCh38, 1-based): chr8:132,611,350, A>T on the plus strand (T>A on the coding strand, the complement: DNAAF11 is on the minus strand). VCF-style: chr8-132611350-A-T. GRCh37 (hg19) VCF-style: chr8-133623596-A-T.
Other names: c.928T>A, p.Ser310Thr (NM_001321961.2); c.742T>A, p.Ser248Thr (NM_001321962.2); c.628T>A, p.Ser210Thr (NM_001321963.2, NM_001321964.2, NM_001321965.2); c.568T>A, p.Ser190Thr (NM_001321966.2); short protein forms S190T, S210T, S248T, S310T, S330T.
Identifiers: ClinVar variation 1681032 (VCV001681032.7), dbSNP rs199759512, ClinGen allele CA4881212.

ClinVar aggregate classification (germline): Uncertain significance. Review status: criteria provided, multiple submitters, no conflicts (2 of 4 stars). 3 submissions from 3 submitters: Uncertain significance (3). Last evaluated 2025-12-15.

Conditions:
Primary ciliary dyskinesia. Also called: Ciliary dyskinesia. Identifiers: Orphanet 244, MedGen C0008780, MONDO:0016575, HP:0012265.
Primary ciliary dyskinesia 19. Also called: CILIARY DYSKINESIA, PRIMARY, 19, WITH OR WITHOUT SITUS INVERSUS. Identifiers: Orphanet 244, MedGen C3543826, MONDO:0013979, OMIM 614935.

Allele frequency attached by ClinVar (database versions not stated): gnomAD exomes 0.00003 and 0.00009; ExAC 0.00004; ESP Exome Variant Server 0.00008; gnomAD 0.00009; TOPMed 0.00009.
gnomAD v4.1: 143 of 1,604,278 alleles (0.0089%); highest among the groups gnomAD compares: Non-Finnish European, 0.012%; no homozygotes.

Submissions (3):

Labcorp Genetics (formerly Invitae), Labcorp
Classification: Uncertain significance for Primary ciliary dyskinesia 19. Last evaluated: 2025-12-15. Review status: criteria provided, single submitter. Criteria: Invitae Variant Classification Sherloc (09022015). Collection method: clinical testing. Allele origin: germline.
Comment: This sequence change replaces serine, which is neutral and polar, with threonine, which is neutral and polar, at codon 330 of the LRRC6 protein (p.Ser330Thr). This variant is present in population databases (rs199759512, gnomAD 0.006%). This variant has not been reported in the literature in individuals affected with LRRC6-related conditions. ClinVar contains an entry for this variant (Variation ID: 1681032). Invitae Evidence Modeling of protein sequence and biophysical properties (such as structural, functional, and spatial information, amino acid conservation, physicochemical variation, residue mobility, and thermodynamic stability) indicates that this missense variant is not expected to disrupt LRRC6 protein function with a negative predictive value of 80%. In summary, the available evidence is currently insufficient to determine the role of this variant in disease. Therefore, it has been classified as a Variant of Uncertain Significance.

Ambry Genetics
Classification: Uncertain significance for Primary ciliary dyskinesia. Last evaluated: 2025-10-29. Review status: criteria provided, single submitter. Criteria: Ambry Variant Classification Scheme 2023. Collection method: clinical testing. Allele origin: germline.

Department of Pathology and Laboratory Medicine, Sinai Health System
Classification: Uncertain significance for primary ciliary dyskinesia 19. Last evaluated: 2022-06-03. Review status: criteria provided, single submitter. Criteria: ACMG Guidelines, 2015. Collection method: research. Allele origin: germline.